The following is an entry in ClinVar:

NM_001165963.4(SCN1A):c.5033T>A (p.Phe1678Tyr)

Genes: SCN1A (sodium voltage-gated channel alpha subunit 1; minus strand), LOC102724058 (uncharacterized LOC102724058; plus strand). Cytogenetic location: 2q24.3.
Variant type: single nucleotide variant.
Coding change: c.5033T>A on transcript NM_001165963.4 (MANE Select); coding-DNA position 5033, T replaced by A.
Protein change: p.Phe1678Tyr; replaces phenylalanine 1678 with tyrosine.
Molecular consequence: missense variant. On other transcripts: non-coding transcript variant (1).
Genome position (GRCh38, 1-based): chr2:165,992,242, A>T on the plus strand (T>A on the coding strand, the complement: SCN1A is on the minus strand). VCF-style: chr2-165992242-A-T. GRCh37 (hg19) VCF-style: chr2-166848752-A-T.
Other names: c.4949T>A, p.Phe1650Tyr (NM_001165964.3, NM_001353957.2, NM_001353958.2); c.5033T>A, p.Phe1678Tyr (NM_001202435.3, NM_001353948.2); c.5000T>A, p.Phe1667Tyr (NM_001353949.2, NM_001353950.2, NM_001353951.2 and 2 more transcripts); c.4997T>A, p.Phe1666Tyr (NM_001353954.2, NM_001353955.2); c.4946T>A, p.Phe1649Tyr (NM_001353960.2); c.2591T>A, p.Phe864Tyr (NM_001353961.2); short protein forms F1649Y, F1650Y, F1666Y, F1667Y, F1678Y, F864Y.
Identifiers: ClinVar variation 4681902 (VCV004681902.5).

ClinVar aggregate classification (germline): Likely pathogenic (1 of 4 stars; one submission).

Submission:

CeGaT Center for Human Genetics Tuebingen
Classification: Likely pathogenic. Last evaluated: 2026-01-01. Review status: criteria provided, single submitter. Criteria: CeGaT Center For Human Genetics Tuebingen Variant Classification Criteria Version 2. Collection method: clinical testing. Allele origin: germline. Affected: yes. Observed: 2 variant alleles.
Comment: SCN1A: PM1, PM2, PP2, PP3